The following is an entry in ClinVar:

ClinVar aggregate classification (germline): no classifications from unflagged records (0 of 4 stars; one submission).

Submission:

Labcorp Genetics (formerly Invitae), Labcorp
Classification: Uncertain significance. Last evaluated: 2022-09-02. Review status: flagged submission. Criteria: Invitae Variant Classification Sherloc (09022015). Collection method: clinical testing. Allele origin: germline.
Comment: In summary, the available evidence is currently insufficient to determine the role of this variant in disease. Therefore, it has been classified as a Variant of Uncertain Significance. This variant has not been reported in the literature in individuals affected with CACNA1D-related conditions. A gross deletion of the genomic region encompassing the full coding sequence of the CACNA1D gene has been identified. The current clinical and genetic evidence is not sufficient to establish whether loss-of-function variants in CACNA1D cause disease. The boundaries of this event are unknown as they extend beyond the assayed region for this gene and therefore may encompass additional genes.
ClinVar note: Notes: This submission was flagged because its interpretation of this variant conflicts with the ClinGen Gene Dosage Map curation for the gene BAP1.
ClinVar note: Reason: Conflict with ClinGen Gene Dosage Map

NC_000003.11:g.(?_52018081)_(53845433_?)del

Genes: ACY1 (aminoacylase 1; plus strand), ALAS1 (5'-aminolevulinate synthase 1; plus strand), BAP1 (BRCA1 associated deubiquitinase 1; minus strand), CACNA1D (calcium voltage-gated channel subunit alpha1 D; plus strand), DCP1A (decapping mRNA 1A; minus strand) and 32 more. Cytogenetic location: 3p21.2-21.1.
Variant type: Deletion.
Identifiers: ClinVar variation 2423375 (VCV002423375.4).